The following is an entry in ClinVar:

ClinVar aggregate classification (germline): Pathogenic (1 of 4 stars; one submission).

Submission:

GeneDx
Classification: Pathogenic. Last evaluated: 2026-08-06. Review status: criteria provided, single submitter. Criteria: GeneDx Variant Classification Process June 2021. Collection method: clinical testing. Allele origin: germline.
Comment: Nonsense variant predicted to result in protein truncation or nonsense mediated decay in a gene for which loss of function is a known mechanism of disease; Not observed at significant frequency in large population cohorts (gnomAD); Has not been previously published as pathogenic or benign to our knowledge

NM_005742.4(PDIA6):c.567G>A (p.Trp189Ter)

Gene: PDIA6 (protein disulfide isomerase family A member 6; minus strand). Cytogenetic location: 2p25.1.
Variant type: single nucleotide variant.
Coding change: c.567G>A on transcript NM_005742.4 (MANE Select); coding-DNA position 567, G replaced by A.
Protein change: p.Trp189Ter; replaces tryptophan 189 with a stop codon.
Molecular consequence: nonsense.
Genome position (GRCh38, 1-based): chr2:10,791,812, C>T on the plus strand (G>A on the coding strand, the complement: PDIA6 is on the minus strand). VCF-style: chr2-10791812-C-T. GRCh37 (hg19) VCF-style: chr2-10931938-C-T.
Other names: c.723G>A, p.Trp241Ter (NM_001282704.2); c.711G>A, p.Trp237Ter (NM_001282705.2); c.582G>A, p.Trp194Ter (NM_001282706.2); c.558G>A, p.Trp186Ter (NM_001282707.2); short protein forms W186*, W189*, W194*, W237*, W241*.
Identifiers: ClinVar variation 3359752 (VCV003359752.2).